The following is an entry in ClinVar:

NM_002471.4(MYH6):c.5505C>G (p.Asn1835Lys)

Gene: MYH6 (myosin heavy chain 6; minus strand). Cytogenetic location: 14q11.2.
Variant type: single nucleotide variant.
Coding change: c.5505C>G on transcript NM_002471.4 (MANE Select); coding-DNA position 5505, C replaced by G.
Protein change: p.Asn1835Lys; replaces asparagine 1835 with lysine.
Molecular consequence: missense variant.
Genome position (GRCh38, 1-based): chr14:23,384,502, G>C on the plus strand (C>G on the coding strand, the complement: MYH6 is on the minus strand). VCF-style: chr14-23384502-G-C. GRCh37 (hg19) VCF-style: chr14-23853711-G-C.
Other names: short protein forms N1835K.
Identifiers: ClinVar variation 4614605 (VCV004614605.1).

ClinVar aggregate classification (germline): Uncertain significance (1 of 4 stars; one submission).

Conditions:
Cardiovascular phenotype. Identifiers: MedGen CN230736.

gnomAD v4.1: 2 of 1,613,168 alleles (0.00012%); highest among the groups gnomAD compares: Admixed American, 0.0017%; no homozygotes.

Submission:

Ambry Genetics
Classification: Uncertain significance for Cardiovascular phenotype. Last evaluated: 2025-10-05. Review status: criteria provided, single submitter. Criteria: Ambry Variant Classification Scheme 2023. Collection method: clinical testing. Allele origin: germline.
Comment: The p.N1835K variant (also known as c.5505C>G), located in coding exon 34 of the MYH6 gene, results from a C to G substitution at nucleotide position 5505. The asparagine at codon 1835 is replaced by lysine, an amino acid with similar properties. This amino acid position is conserved. In addition, this alteration is predicted to be tolerated by in silico analysis. Based on the available evidence, the clinical significance of this variant remains unclear.